The following is an entry in ClinVar:

NM_001379500.1(COL18A1):c.1958A>G (p.Lys653Arg)

Gene: COL18A1 (collagen type XVIII alpha 1 chain; plus strand). Cytogenetic location: 21q22.3.
Variant type: single nucleotide variant.
Coding change: c.1958A>G on transcript NM_001379500.1 (MANE Select); coding-DNA position 1958, A replaced by G.
Protein change: p.Lys653Arg; replaces lysine 653 with arginine.
Molecular consequence: missense variant.
Genome position (GRCh38, 1-based): chr21:45,489,520, A>G. VCF-style: chr21-45489520-A-G. GRCh37 (hg19) VCF-style: chr21-46909434-A-G.
Other names: c.2498A>G, p.Lys833Arg (NM_030582.4); c.3203A>G, p.Lys1068Arg (NM_130444.3); short protein forms K1068R, K653R, K833R.
Identifiers: ClinVar variation 1933406 (VCV001933406.5), dbSNP rs1195341016, ClinGen allele CA410496674.

ClinVar aggregate classification (germline): Uncertain significance (1 of 4 stars; one submission).

Allele frequency attached by ClinVar (database versions not stated): gnomAD 0.00001; gnomAD exomes 0.00001; TOPMed 0.00001.
gnomAD v4.1: 10 of 1,597,420 alleles (0.00063%); highest among the groups gnomAD compares: Non-Finnish European, 0.00085%; no homozygotes.

Submission:

Labcorp Genetics (formerly Invitae), Labcorp
Classification: Uncertain significance. Last evaluated: 2025-08-13. Review status: criteria provided, single submitter. Criteria: Invitae Variant Classification Sherloc (09022015). Collection method: clinical testing. Allele origin: germline.
Comment: This sequence change replaces lysine, which is basic and polar, with arginine, which is basic and polar, at codon 653 of the COL18A1 protein (p.Lys653Arg). This variant is not present in population databases (gnomAD no frequency). This variant has not been reported in the literature in individuals affected with COL18A1-related conditions. ClinVar contains an entry for this variant (Variation ID: 1933406). Experimental studies and prediction algorithms are not available or were not evaluated, and the functional significance of this variant is currently unknown. Algorithms developed to predict the effect of sequence changes on RNA splicing suggest that this variant may disrupt the consensus splice site. In summary, the available evidence is currently insufficient to determine the role of this variant in disease. Therefore, it has been classified as a Variant of Uncertain Significance.